The following is an entry in ClinVar:

ClinVar aggregate classification (germline): Conflicting classifications of pathogenicity. Review status: criteria provided, conflicting classifications (1 of 4 stars). 4 submissions from 4 submitters: Likely pathogenic (2); Uncertain significance (1). 1 of the submissions does not count toward it. Last evaluated 2025-10-27.

Conditions:
Marfan syndrome (MFS). Also called: Marfan syndrome type 1; Marfan syndrome, classic; Marfan's syndrome; FBN1-Related Marfan Syndrome; MARFAN SYNDROME, TYPE I. Identifiers: Orphanet 284963, Orphanet 558, MedGen C0024796, MONDO:0007947, OMIM 154700.
Familial thoracic aortic aneurysm and aortic dissection (TAAD). Also called: Thoracic aortic aneurysms and dissections. Identifiers: Orphanet 91387, MedGen C4707243, MONDO:0019625.

Submissions (4):

Labcorp Genetics (formerly Invitae), Labcorp
Classification: Uncertain significance for Marfan syndrome; Familial thoracic aortic aneurysm and aortic dissection. Last evaluated: 2025-10-27. Review status: criteria provided, single submitter. Criteria: Invitae Variant Classification Sherloc (09022015). Collection method: clinical testing. Allele origin: germline.
Comment: This sequence change replaces aspartic acid, which is acidic and polar, with glycine, which is neutral and non-polar, at codon 1322 of the FBN1 protein (p.Asp1322Gly). This variant is not present in population databases (gnomAD no frequency). This missense change has been observed in individuals with clinical features of FBN1-related conditions (PMID: 17627385, 19161152, 35058154, 39180127). ClinVar contains an entry for this variant (Variation ID: 549198). An algorithm developed to predict the effect of missense changes on protein structure and function (PolyPhen-2) suggests that this variant is likely to be tolerated. This variant disrupts the p.Asp1322 amino acid residue in FBN1. Other variant(s) that disrupt this residue have been observed in individuals with FBN1-related conditions (internal data), which suggests that this may be a clinically significant amino acid residue. In summary, the available evidence is currently insufficient to determine the role of this variant in disease. Therefore, it has been classified as a Variant of Uncertain Significance.

GeneDx
Classification: Likely pathogenic. Last evaluated: 2025-01-15. Review status: criteria provided, single submitter. Criteria: GeneDx Variant Classification Process June 2021. Collection method: clinical testing. Allele origin: germline. Affected: yes.
Comment: Not observed at significant frequency in large population cohorts (gnomAD); In silico analysis supports that this missense variant has a deleterious effect on protein structure/function; This variant is associated with the following publications: (PMID: 17627385, 19161152, 38190127, 35058154, 12938084, 20591885)

Centre of Medical Genetics, University of Antwerp
Classification: Likely pathogenic for Marfan syndrome. Last evaluated: 2021-03-01. Review status: criteria provided, single submitter. Criteria: Submitter's publication. Collection method: research. Allele origin: unknown. Affected: yes. Observed: 2 variant alleles.
Comment: PM2, PS6, PP1, PP4

Center for Medical Genetics Ghent, University of Ghent
Classification: Likely pathogenic for Marfan syndrome. Last evaluated: 2017-11-07. Review status: no assertion criteria provided. Collection method: clinical testing. Allele origin: germline. Affected: yes. Not counted in ClinVar's aggregate classification.

Literature cited by the submitters: PubMed 17627385 (cited by Labcorp Genetics (formerly Invitae), Labcorp); PubMed 19161152 (cited by Labcorp Genetics (formerly Invitae), Labcorp); PubMed 35058154 (cited by Labcorp Genetics (formerly Invitae), Labcorp); PubMed 39180127 (cited by Labcorp Genetics (formerly Invitae), Labcorp).

NM_000138.5(FBN1):c.3965A>G (p.Asp1322Gly)

Gene: FBN1 (fibrillin 1; minus strand). Cytogenetic location: 15q21.1.
Variant type: single nucleotide variant.
Coding change: c.3965A>G on transcript NM_000138.5 (MANE Select); coding-DNA position 3965, A replaced by G.
Protein change: p.Asp1322Gly; replaces aspartic acid 1322 with glycine.
Molecular consequence: missense variant.
Genome position (GRCh38, 1-based): chr15:48,474,650, T>C on the plus strand (A>G on the coding strand, the complement: FBN1 is on the minus strand). VCF-style: chr15-48474650-T-C. GRCh37 (hg19) VCF-style: chr15-48766847-T-C.
Other names: short protein forms D1322G.
Identifiers: ClinVar variation 549198 (VCV000549198.20), dbSNP rs1555397744, ClinGen allele CA392320668.